The following is an entry in ClinVar:

NM_032043.3(BRIP1):c.416C>A (p.Ser139Tyr)

Gene: BRIP1 (BRCA1 interacting DNA helicase 1; minus strand). Cytogenetic location: 17q23.2.
Variant type: single nucleotide variant.
Coding change: c.416C>A on transcript NM_032043.3 (MANE Select); coding-DNA position 416, C replaced by A.
Protein change: p.Ser139Tyr; replaces serine 139 with tyrosine.
Molecular consequence: missense variant.
Genome position (GRCh38, 1-based): chr17:61,849,220, G>T on the plus strand (C>A on the coding strand, the complement: BRIP1 is on the minus strand). VCF-style: chr17-61849220-G-T. GRCh37 (hg19) VCF-style: chr17-59926581-G-T.
Other names: short protein forms S139Y.
Identifiers: ClinVar variation 3482456 (VCV003482456.1).

ClinVar aggregate classification (germline): Uncertain significance (1 of 4 stars; one submission).

Conditions:
Hereditary cancer-predisposing syndrome. Also called: Tumor predisposition; Neoplastic Syndromes, Hereditary; Hereditary Cancer Syndrome; Hereditary neoplastic syndrome. Identifiers: Orphanet 140162, MedGen C0027672, MeSH D009386, MONDO:0015356.

Submission:

Ambry Genetics
Classification: Uncertain significance for Hereditary cancer-predisposing syndrome. Last evaluated: 2024-10-06. Review status: criteria provided, single submitter. Criteria: Ambry Variant Classification Scheme 2023. Collection method: clinical testing. Allele origin: germline.
Comment: The p.S139Y variant (also known as c.416C>A), located in coding exon 4 of the BRIP1 gene, results from a C to A substitution at nucleotide position 416. The serine at codon 139 is replaced by tyrosine, an amino acid with dissimilar properties. This amino acid position is conserved. In addition, the in silico prediction for this alteration is inconclusive. Based on the available evidence, the clinical significance of this variant remains unclear.